The following is an entry in ClinVar:

ClinVar aggregate classification (germline): Benign/Likely benign. Review status: criteria provided, multiple submitters, no conflicts (2 of 4 stars). 2 submissions from 2 submitters: Benign (1); Likely benign (1). Last evaluated 2026-05-06.

Conditions:
NEXMIF-related disorder. Also called: NEXMIF-related condition.

gnomAD v4.1: 29 of 1,207,177 alleles (0.0024%); highest among the groups gnomAD compares: Non-Finnish European, 0.003%; no homozygotes.

Submissions (2):

PreventionGenetics, part of Exact Sciences
Classification: Likely benign for NEXMIF-related condition. Last evaluated: 2026-05-06. Review status: criteria provided, single submitter. Criteria: ACMG Guidelines, 2015. Collection method: clinical testing. Allele origin: germline.
Comment: This variant is classified as likely benign based on ACMG/AMP sequence variant interpretation guidelines (Richards et al. 2015 PMID: 25741868, with internal and published modifications).

Labcorp Genetics (formerly Invitae), Labcorp
Classification: Benign. Last evaluated: 2025-03-30. Review status: criteria provided, single submitter. Criteria: Invitae Variant Classification Sherloc (09022015). Collection method: clinical testing. Allele origin: germline.

NM_001008537.3(NEXMIF):c.152C>A (p.Pro51Gln)

Gene: NEXMIF (neurite extension and migration factor; minus strand). Cytogenetic location: Xq13.3.
Variant type: single nucleotide variant.
Coding change: c.152C>A on transcript NM_001008537.3 (MANE Select); coding-DNA position 152, C replaced by A.
Protein change: p.Pro51Gln; replaces proline 51 with glutamine.
Molecular consequence: missense variant.
Genome position (GRCh38, 1-based): chrX:74,744,405, G>T on the plus strand (C>A on the coding strand, the complement: NEXMIF is on the minus strand). VCF-style: chrX-74744405-G-T. GRCh37 (hg19) VCF-style: chrX-73964240-G-T.
Other names: c.152C>A (NM_001008537.2); short protein forms P51Q.
Identifiers: ClinVar variation 1170025 (VCV001170025.10), dbSNP rs200276575, ClinGen allele CA10455248.